The following is an entry in ClinVar:

NM_002880.4(RAF1):c.88C>T (p.Pro30Ser)

Gene: RAF1 (Raf-1 proto-oncogene, serine/threonine kinase; minus strand). Cytogenetic location: 3p25.2.
Variant type: single nucleotide variant.
Coding change: c.88C>T on transcript NM_002880.4 (MANE Select); coding-DNA position 88, C replaced by T.
Protein change: p.Pro30Ser; replaces proline 30 with serine.
Molecular consequence: missense variant. On other transcripts: non-coding transcript variant (3), 5 prime UTR variant (4).
Genome position (GRCh38, 1-based): chr3:12,618,634, G>A on the plus strand (C>T on the coding strand, the complement: RAF1 is on the minus strand). VCF-style: chr3-12618634-G-A. GRCh37 (hg19) VCF-style: chr3-12660133-G-A.
Other names: c.88C>T (NM_002880.3); c.88C>T, p.Pro30Ser (NM_001354689.3, NM_001354690.3, NM_001354693.3); c.-43C>T (NM_001354691.3, NM_001354692.3, NM_001354694.3 and 1 more transcripts); short protein forms P30S.
Identifiers: ClinVar variation 1352462 (VCV001352462.9), dbSNP rs765857063, ClinGen allele CA2259840.

ClinVar aggregate classification (germline): Uncertain significance. Review status: criteria provided, multiple submitters, no conflicts (2 of 4 stars). 2 submissions from 2 submitters: Uncertain significance (2). Last evaluated 2024-08-23.

Conditions:
Cardiovascular phenotype. Identifiers: MedGen CN230736.
RASopathy. Also called: Noonan spectrum disorder; rasopathies. Identifiers: Orphanet 536391, MedGen C5555857, MONDO:0021060.

Allele frequency attached by ClinVar (database versions not stated): gnomAD exomes below 0.00001; ExAC 0.00001; gnomAD 0.00001.
gnomAD v4.1: 6 of 1,614,040 alleles (0.00037%); highest among the groups gnomAD compares: Non-Finnish European, 0.00051%; no homozygotes.

Submissions (2):

Ambry Genetics
Classification: Uncertain significance for Cardiovascular phenotype. Last evaluated: 2024-08-23. Review status: criteria provided, single submitter. Criteria: Ambry Variant Classification Scheme 2023. Collection method: clinical testing. Allele origin: germline.
Comment: The p.P30S variant (also known as c.88C>T), located in coding exon 1 of the RAF1 gene, results from a C to T substitution at nucleotide position 88. The proline at codon 30 is replaced by serine, an amino acid with similar properties. This amino acid position is conserved. In addition, the in silico prediction for this alteration is inconclusive. Based on the available evidence, the clinical significance of this variant remains unclear.

Labcorp Genetics (formerly Invitae), Labcorp
Classification: Uncertain significance for RASopathy. Last evaluated: 2023-12-16. Review status: criteria provided, single submitter. Criteria: Invitae Variant Classification Sherloc (09022015). Collection method: clinical testing. Allele origin: germline.
Comment: This sequence change replaces proline, which is neutral and non-polar, with serine, which is neutral and polar, at codon 30 of the RAF1 protein (p.Pro30Ser). This variant is present in population databases (rs765857063, gnomAD 0.0009%). This variant has not been reported in the literature in individuals affected with RAF1-related conditions. ClinVar contains an entry for this variant (Variation ID: 1352462). Advanced modeling of protein sequence and biophysical properties (such as structural, functional, and spatial information, amino acid conservation, physicochemical variation, residue mobility, and thermodynamic stability) performed at Invitae indicates that this missense variant is expected to disrupt RAF1 protein function with a positive predictive value of 95%. In summary, the available evidence is currently insufficient to determine the role of this variant in disease. Therefore, it has been classified as a Variant of Uncertain Significance.